The following is an entry in ClinVar:

NM_024741.3(ZNF408):c.118C>G (p.Leu40Val)

Gene: ZNF408 (zinc finger protein 408; plus strand). Cytogenetic location: 11p11.2.
Variant type: single nucleotide variant.
Coding change: c.118C>G on transcript NM_024741.3 (MANE Select); coding-DNA position 118, C replaced by G.
Protein change: p.Leu40Val; replaces leucine 40 with valine.
Molecular consequence: missense variant.
Genome position (GRCh38, 1-based): chr11:46,701,464, C>G. VCF-style: chr11-46701464-C-G. GRCh37 (hg19) VCF-style: chr11-46723014-C-G.
Other names: c.94C>G, p.Leu32Val (NM_001184751.2); short protein forms L32V, L40V.
Identifiers: ClinVar variation 1364278 (VCV001364278.8), dbSNP rs766675158, ClinGen allele CA5966241.

ClinVar aggregate classification (germline): Uncertain significance (1 of 4 stars; one submission).

Allele frequency attached by ClinVar (database versions not stated): gnomAD exomes below 0.00001; ExAC 0.00001.

Submission:

Labcorp Genetics (formerly Invitae), Labcorp
Classification: Uncertain significance. Last evaluated: 2022-02-22. Review status: criteria provided, single submitter. Criteria: Invitae Variant Classification Sherloc (09022015). Collection method: clinical testing. Allele origin: germline.
Comment: In summary, the available evidence is currently insufficient to determine the role of this variant in disease. Therefore, it has been classified as a Variant of Uncertain Significance. Algorithms developed to predict the effect of missense changes on protein structure and function (SIFT, PolyPhen-2, Align-GVGD) all suggest that this variant is likely to be tolerated. This variant has not been reported in the literature in individuals affected with ZNF408-related conditions. This variant is present in population databases (rs766675158, gnomAD 0.0009%). This sequence change replaces leucine, which is neutral and non-polar, with valine, which is neutral and non-polar, at codon 40 of the ZNF408 protein (p.Leu40Val).